The following is an entry in ClinVar:

NM_000548.5(TSC2):c.3380G>A (p.Arg1127Gln)

Gene: TSC2 (TSC complex subunit 2; plus strand). Cytogenetic location: 16p13.3.
Variant type: single nucleotide variant.
Coding change: c.3380G>A on transcript NM_000548.5 (MANE Select); coding-DNA position 3380, G replaced by A.
Protein change: p.Arg1127Gln; replaces arginine 1127 with glutamine.
Molecular consequence: missense variant.
Genome position (GRCh38, 1-based): chr16:2,079,652, G>A. VCF-style: chr16-2079652-G-A. GRCh37 (hg19) VCF-style: chr16-2129653-G-A.
Other names: c.3248G>A, p.Arg1083Gln (NM_001077183.3, NM_001370404.1); c.3380G>A, p.Arg1127Gln (NM_001114382.3); c.3140G>A, p.Arg1047Gln (NM_001318827.2); c.3104G>A, p.Arg1035Gln (NM_001318829.2); c.2648G>A, p.Arg883Gln (NM_001318831.2); c.3281G>A, p.Arg1094Gln (NM_001318832.2); c.3251G>A, p.Arg1084Gln (NM_001363528.2, NM_001370405.1, NM_021055.3); c.3380G>A (NM_000548.4); short protein forms R1127Q, R1083Q, R1094Q, R1035Q, R883Q, R1047Q, R1084Q.
Identifiers: ClinVar variation 536003 (VCV000536003.22), dbSNP rs746197874, ClinGen allele CA046441.

ClinVar aggregate classification (germline): Conflicting classifications of pathogenicity. Review status: criteria provided, conflicting classifications (1 of 4 stars). 7 submissions from 7 submitters: Uncertain significance (3); Likely benign (4). Last evaluated 2025-09-27.

Conditions:
Isolated focal cortical dysplasia type II (FCORD2). Also called: Focal cortical dysplasia type II; CORTICAL DYSPLASIA OF TAYLOR. Identifiers: Orphanet 268994, MedGen C1846385, MONDO:0011818, OMIM 607341, HP:0032051.
Tuberous sclerosis 2 (TSC2). Identifiers: Orphanet 805, MedGen C1860707, MONDO:0013199, OMIM 613254.
Lymphangiomyomatosis (LAM). Also called: Lymphangioleiomyomatosis; Lymphangioleiomyomatosis, somatic. Identifiers: Orphanet 538, MedGen C0751674, MONDO:0011705, OMIM 606690.
TSC2-related disorder. Also called: TSC2-related condition; TSC2-Related Disorders.
Hereditary cancer-predisposing syndrome. Also called: Tumor predisposition; Hereditary neoplastic syndrome; Neoplastic Syndromes, Hereditary; Hereditary Cancer Syndrome. Identifiers: Orphanet 140162, MedGen C0027672, MeSH D009386, MONDO:0015356.

Allele frequency attached by ClinVar (database versions not stated): TOPMed 0.00001; ExAC 0.00002; gnomAD 0.00002.
gnomAD v4.1: 12 of 1,600,108 alleles (0.00075%); highest among the groups gnomAD compares: East Asian, 0.0068%; no homozygotes.

Submissions (7):

Labcorp Genetics (formerly Invitae), Labcorp
Classification: Likely benign for Tuberous sclerosis 2. Last evaluated: 2025-09-27. Review status: criteria provided, single submitter. Criteria: Invitae Variant Classification Sherloc (09022015). Collection method: clinical testing. Allele origin: germline.

PreventionGenetics, part of Exact Sciences
Classification: Likely benign for TSC2-related condition. Last evaluated: 2025-06-02. Review status: criteria provided, single submitter. Criteria: ACMG Guidelines, 2015. Collection method: clinical testing. Allele origin: germline.
Comment: This variant is classified as likely benign based on ACMG/AMP sequence variant interpretation guidelines (Richards et al. 2015 PMID: 25741868, with internal and published modifications).

GeneDx
Classification: Uncertain significance. Last evaluated: 2023-03-29. Review status: criteria provided, single submitter. Criteria: GeneDx Variant Classification Process June 2021. Collection method: clinical testing. Allele origin: germline. Affected: yes.
Comment: In silico analysis supports that this missense variant has a deleterious effect on splicing; In silico analysis supports that this missense variant does not alter protein structure/function; Observed in an individual suspected of having tuberous sclerosis complex (TSC) (Meng et al., 2021); This variant is associated with the following publications: (PMID: 32917966)

Genetic Services Laboratory, University of Chicago
Classification: Uncertain significance. Last evaluated: 2023-02-23. Review status: criteria provided, single submitter. Criteria: ACMG Guidelines, 2015. Collection method: clinical testing. Allele origin: germline. Affected: no.
Comment: DNA sequence analysis of the TSC2 gene demonstrated a sequence change, c.3380G>A, in exon 29 that results in an amino acid change, p.Arg1127Gln. This sequence change does not appear to have been previously described in individuals with TSC2-related disorders. This sequence change has been described in the gnomAD database in one individual which corresponds to a population frequency of 0.0004% (dbSNP rs746197874). The p.Arg1127Gln change affects a highly conserved amino acid residue located in a domain of the TSC2 protein that is not known to be functional. In-silico pathogenicity prediction tools (SIFT, PolyPhen2, Align GVGD, REVEL) provide contradictory results for the p.Arg1127Gln substitution. Due to insufficient evidences and the lack of functional studies, the clinical significance of the p.Arg1127Gln change remains unknown at this time.

Ambry Genetics
Classification: Likely benign for Hereditary cancer-predisposing syndrome. Last evaluated: 2021-11-12. Review status: criteria provided, single submitter. Criteria: Ambry Variant Classification Scheme 2023. Collection method: clinical testing. Allele origin: germline.

Genome-Nilou Lab
Classification: Likely benign for Tuberous sclerosis 2. Last evaluated: 2021-11-07. Review status: criteria provided, single submitter. Criteria: ACMG Guidelines, 2015. Collection method: clinical testing. Allele origin: germline. Affected: no.

Fulgent Genetics
Classification: Uncertain significance for Lymphangiomyomatosis; Isolated focal cortical dysplasia type II; Tuberous sclerosis 2. Last evaluated: 2018-10-31. Review status: criteria provided, single submitter. Criteria: ACMG Guidelines, 2015. Collection method: clinical testing. Allele origin: unknown.